The following is an entry in ClinVar:

NM_001277115.2(DNAH11):c.13406G>A (p.Arg4469Lys)

Genes: CDCA7L (cell division cycle associated 7 like; minus strand), DNAH11 (dynein axonemal heavy chain 11; plus strand). Cytogenetic location: 7p15.3.
Variant type: single nucleotide variant.
Coding change: c.13406G>A on transcript NM_001277115.2 (MANE Select); coding-DNA position 13406, G replaced by A.
Protein change: p.Arg4469Lys; replaces arginine 4469 with lysine.
Molecular consequence: missense variant. On other transcripts: 3 prime UTR variant (3).
Genome position (GRCh38, 1-based): chr7:21,901,109, G>A. VCF-style: chr7-21901109-G-A. GRCh37 (hg19) VCF-style: chr7-21940727-G-A.
Other names: c.*1213C>T (NM_001127370.3, NM_001127371.3, NM_018719.5); short protein forms R4469K.
Identifiers: ClinVar variation 238898 (VCV000238898.13), dbSNP rs183031009, ClinGen allele CA4183483.

ClinVar aggregate classification (germline): Likely benign. Review status: criteria provided, multiple submitters, no conflicts (2 of 4 stars). 3 submissions from 3 submitters: Likely benign (2). 1 of the submissions does not count toward it. Last evaluated 2025-12-25.

Conditions:
DNAH11-related disorder. Also called: DNAH11-related condition.
Primary ciliary dyskinesia. Also called: Ciliary dyskinesia. Identifiers: Orphanet 244, MedGen C0008780, MONDO:0016575, HP:0012265.

Allele frequency attached by ClinVar (database versions not stated): gnomAD exomes 0.00023; ExAC 0.00030; 1000 Genomes Project 0.00100; 1000 Genomes Project 30x 0.00109; gnomAD 0.00111 and 0.00120; TOPMed 0.00118; ESP Exome Variant Server 0.00133.
gnomAD v4.1: 357 of 1,614,008 alleles (0.022%); highest among the groups gnomAD compares: African/African-American, 0.4%; no homozygotes.

Submissions (3):

Labcorp Genetics (formerly Invitae), Labcorp
Classification: Likely benign for Primary ciliary dyskinesia. Last evaluated: 2025-12-25. Review status: criteria provided, single submitter. Criteria: Invitae Variant Classification Sherloc (09022015). Collection method: clinical testing. Allele origin: germline.

Ambry Genetics
Classification: Likely benign for Primary ciliary dyskinesia. Last evaluated: 2022-06-10. Review status: criteria provided, single submitter. Criteria: Ambry Variant Classification Scheme 2023. Collection method: clinical testing. Allele origin: germline.

PreventionGenetics, part of Exact Sciences
Classification: Likely benign for DNAH11-related condition. Last evaluated: 2022-03-28. Review status: no assertion criteria provided. Collection method: clinical testing. Allele origin: germline. Not counted in ClinVar's aggregate classification.
Comment: This variant is classified as likely benign based on ACMG/AMP sequence variant interpretation guidelines (Richards et al. 2015 PMID: 25741868, with internal and published modifications).